The following is an entry in ClinVar:

NM_001352027.3(PHF21A):c.1251C>G (p.Tyr417Ter)

Gene: PHF21A (PHD finger protein 21A; minus strand). Cytogenetic location: 11p11.2.
Variant type: single nucleotide variant.
Coding change: c.1251C>G on transcript NM_001352027.3 (MANE Select); coding-DNA position 1251, C replaced by G.
Protein change: p.Tyr417Ter; replaces tyrosine 417 with a stop codon.
Molecular consequence: nonsense. On other transcripts: non-coding transcript variant (2).
Genome position (GRCh38, 1-based): chr11:45,948,923, G>C on the plus strand (C>G on the coding strand, the complement: PHF21A is on the minus strand). VCF-style: chr11-45948923-G-C. GRCh37 (hg19) VCF-style: chr11-45970474-G-C.
Other names: c.1248C>G, p.Tyr416Ter (NM_001352031.3, NM_001352032.3, NM_001441171.1 and 2 more transcripts); c.1272C>G, p.Tyr424Ter (NM_001441167.1, NM_001441168.1); c.1269C>G, p.Tyr423Ter (NM_001441169.1); c.1251C>G, p.Tyr417Ter (NM_001441170.1, NM_016621.5, NM_001352025.3 and 3 more transcripts); c.999C>G, p.Tyr333Ter (NM_001441172.1); short protein forms Y333*, Y416*, Y417*, Y423*, Y424*.
Identifiers: ClinVar variation 4627367 (VCV004627367.1).

ClinVar aggregate classification (germline): Pathogenic (1 of 4 stars; one submission).

Conditions:
Inborn genetic diseases. Identifiers: MedGen C0950123, MeSH D030342.

Submission:

Ambry Genetics
Classification: Pathogenic for Inborn genetic diseases. Last evaluated: 2025-11-24. Review status: criteria provided, single submitter. Criteria: Ambry Variant Classification Scheme 2023. Collection method: clinical testing. Allele origin: germline.
Comment: The c.1248C>G (p.Y416*) alteration, located in exon 13 (coding exon 11) of the PHF21A gene, consists of a C to G substitution at nucleotide position 1248. This changes the amino acid from a tyrosine (Y) to a stop codon at amino acid position 416. This alteration is expected to result in loss of function by premature protein truncation or nonsense-mediated mRNA decay. This variant was not reported in population-based cohorts in the Genome Aggregation Database (gnomAD). Based on the available evidence, this alteration is classified as pathogenic.